The following is an entry in ClinVar:

NM_033028.5(BBS4):c.289_291delinsTG (p.Ser97fs)

Gene: BBS4 (Bardet-Biedl syndrome 4; plus strand). Cytogenetic location: 15q24.1.
Variant type: Indel.
Coding change: c.289_291delinsTG on transcript NM_033028.5 (MANE Select); coding-DNA positions 289 to 291, AGT replaced by TG.
Protein change: p.Ser97fs; shifts the reading frame from serine 97.
Molecular consequence: frameshift variant. On other transcripts: 5 prime UTR variant (1), non-coding transcript variant (2).
Genome position (GRCh38, 1-based): chr15:72,715,359-72,715,361, AGT replaced by TG. VCF-style: chr15-72715359-AGT-TG. GRCh37 (hg19) VCF-style: chr15-73007700-AGT-TG.
Other names: c.-233_-231delinsTG (NM_001252678.2); c.289_291delinsTG, p.Ser97fs (NM_001320665.2); short protein forms S97fs.
Identifiers: ClinVar variation 931609 (VCV000931609.3), dbSNP rs2065449579, ClinGen allele CA1139664072.

ClinVar aggregate classification (germline): Likely pathogenic (1 of 4 stars; one submission).

Conditions:
Bardet-Biedl syndrome 4 (BBS4). Identifiers: Orphanet 110, MedGen C2936864, MONDO:0014433, OMIM 615982.

Submission:

Centre for Mendelian Genomics, University Medical Centre Ljubljana
Classification: Likely pathogenic for Bardet-Biedl syndrome 4. Last evaluated: 2019-10-02. Review status: criteria provided, single submitter. Criteria: ACMG Guidelines, 2015. Collection method: clinical testing. Allele origin: unknown. Affected: yes.
Comment: This variant was classified as: Likely pathogenic. The following ACMG criteria were applied in classifying this variant: PVS1,PM2.